The following is an entry in ClinVar:

NM_015295.3(SMCHD1):c.5800C>T (p.Arg1934Cys)

Gene: SMCHD1 (structural maintenance of chromosomes flexible hinge domain containing 1; plus strand). Cytogenetic location: 18p11.32.
Variant type: single nucleotide variant.
Coding change: c.5800C>T on transcript NM_015295.3 (MANE Select); coding-DNA position 5800, C replaced by T.
Protein change: p.Arg1934Cys; replaces arginine 1934 with cysteine.
Molecular consequence: missense variant.
Genome position (GRCh38, 1-based): chr18:2,796,029, C>T. VCF-style: chr18-2796029-C-T. GRCh37 (hg19) VCF-style: chr18-2796027-C-T.
Other names: short protein forms R1934C.
Identifiers: ClinVar variation 2023904 (VCV002023904.4), dbSNP rs755669572, ClinGen allele CA8871794.

ClinVar aggregate classification (germline): Conflicting classifications of pathogenicity. Review status: criteria provided, conflicting classifications (1 of 4 stars). 2 submissions from 2 submitters: Uncertain significance (1); Likely benign (1). Last evaluated 2025-01-14.

Conditions:
Facioscapulohumeral muscular dystrophy 2 (FSHD2). Also called: MUSCULAR DYSTROPHY, FACIOSCAPULOHUMERAL, TYPE 1B; FACIOSCAPULOHUMERAL MUSCULAR DYSTROPHY 2, DIGENIC; FSHD2, DIGENIC. Identifiers: Orphanet 269, MedGen C1834671, MONDO:0008031, OMIM 158901.

Allele frequency attached by ClinVar (database versions not stated): TOPMed 0.00002; gnomAD 0.00003; ExAC 0.00013.
gnomAD v4.1: 37 of 1,592,490 alleles (0.0023%); highest among the groups gnomAD compares: East Asian, 0.038%; no homozygotes.

Submissions (2):

Labcorp Genetics (formerly Invitae), Labcorp
Classification: Uncertain significance for Facioscapulohumeral muscular dystrophy 2. Last evaluated: 2025-01-14. Review status: criteria provided, single submitter. Criteria: Invitae Variant Classification Sherloc (09022015). Collection method: clinical testing. Allele origin: germline.
Comment: This sequence change replaces arginine, which is basic and polar, with cysteine, which is neutral and slightly polar, at codon 1934 of the SMCHD1 protein (p.Arg1934Cys). This variant is present in population databases (rs755669572, gnomAD 0.1%), and has an allele count higher than expected for a pathogenic variant. This variant has not been reported in the literature in individuals affected with SMCHD1-related conditions. ClinVar contains an entry for this variant (Variation ID: 2023904). Invitae Evidence Modeling of protein sequence and biophysical properties (such as structural, functional, and spatial information, amino acid conservation, physicochemical variation, residue mobility, and thermodynamic stability) indicates that this missense variant is not expected to disrupt SMCHD1 protein function with a negative predictive value of 80%. In summary, the available evidence is currently insufficient to determine the role of this variant in disease. Therefore, it has been classified as a Variant of Uncertain Significance.

Blueprint Genetics
Classification: Likely benign. Last evaluated: 2024-10-22. Review status: criteria provided, single submitter. Criteria: ACMG Guidelines, 2015. Collection method: clinical testing. Allele origin: germline.